The following is an entry in ClinVar:

ClinVar aggregate classification (germline): Uncertain significance. Review status: criteria provided, multiple submitters, no conflicts (2 of 4 stars). 2 submissions from 2 submitters: Uncertain significance (2). Last evaluated 2024-10-08.

Conditions:
Inborn genetic diseases. Identifiers: MedGen C0950123, MeSH D030342.

Allele frequency attached by ClinVar (database versions not stated): gnomAD exomes 0.00005; ExAC 0.00008; gnomAD 0.00009; TOPMed 0.00012; ESP Exome Variant Server 0.00040.
gnomAD v4.1: 93 of 1,611,578 alleles (0.0058%); highest among the groups gnomAD compares: African/African-American, 0.035%; no homozygotes.

Submissions (2):

Ambry Genetics
Classification: Uncertain significance for Inborn genetic diseases. Last evaluated: 2024-10-08. Review status: criteria provided, single submitter. Criteria: Ambry Variant Classification Scheme 2023. Collection method: clinical testing. Allele origin: germline.

Labcorp Genetics (formerly Invitae), Labcorp
Classification: Uncertain significance. Last evaluated: 2022-08-22. Review status: criteria provided, single submitter. Criteria: Invitae Variant Classification Sherloc (09022015). Collection method: clinical testing. Allele origin: germline.
Comment: This sequence change replaces glycine, which is neutral and non-polar, with glutamic acid, which is acidic and polar, at codon 2417 of the FRAS1 protein (p.Gly2417Glu). This variant is present in population databases (rs369803744, gnomAD 0.03%). This variant has not been reported in the literature in individuals affected with FRAS1-related conditions. Algorithms developed to predict the effect of missense changes on protein structure and function are either unavailable or do not agree on the potential impact of this missense change (SIFT: "Deleterious"; PolyPhen-2: "Possibly Damaging"; Align-GVGD: "Class C15"). In summary, the available evidence is currently insufficient to determine the role of this variant in disease. Therefore, it has been classified as a Variant of Uncertain Significance.

NM_025074.7(FRAS1):c.7250G>A (p.Gly2417Glu)

Gene: FRAS1 (Fraser extracellular matrix complex subunit 1; plus strand). Cytogenetic location: 4q21.21.
Variant type: single nucleotide variant.
Coding change: c.7250G>A on transcript NM_025074.7 (MANE Select); coding-DNA position 7250, G replaced by A.
Protein change: p.Gly2417Glu; replaces glycine 2417 with glutamic acid.
Molecular consequence: missense variant.
Genome position (GRCh38, 1-based): chr4:78,466,428, G>A. VCF-style: chr4-78466428-G-A. GRCh37 (hg19) VCF-style: chr4-79387582-G-A.
Other names: c.7250G>A (NM_025074.6); short protein forms G2417E.
Identifiers: ClinVar variation 2200996 (VCV002200996.2), dbSNP rs369803744, ClinGen allele CA2978019.